The following is an entry in ClinVar:

ClinVar aggregate classification (germline): Likely benign. Review status: criteria provided, multiple submitters, no conflicts (2 of 4 stars). 2 submissions from 2 submitters: Likely benign (2). Last evaluated 2025-02-05.

Conditions:
Hereditary breast ovarian cancer syndrome. Also called: Hereditary breast and ovarian cancer syndrome; Hereditary breast and ovarian cancer; Hereditary breast and ovarian cancer syndrome (HBOC); BRCA1- and BRCA2-Associated Hereditary Breast and Ovarian Cancer; Hereditary breast and/or ovarian cancer syndrome; Breast and ovarian cancer. Identifiers: Orphanet 145, MedGen C0677776, MeSH D061325, MONDO:0003582. Disease mechanism: loss of function.

Allele frequency attached by ClinVar (database versions not stated): gnomAD exomes below 0.00001 and 0.00001; TOPMed below 0.00001; gnomAD 0.00001 and 0.00003; ExAC 0.00003.
gnomAD v4.1: 9 of 1,323,300 alleles (0.00068%); highest among the groups gnomAD compares: South Asian, 0.0073%; no homozygotes.

Submissions (2):

Labcorp Genetics (formerly Invitae), Labcorp
Classification: Likely benign for Hereditary breast ovarian cancer syndrome. Last evaluated: 2025-02-05. Review status: criteria provided, single submitter. Criteria: Invitae Variant Classification Sherloc (09022015). Collection method: clinical testing. Allele origin: germline.

GeneDx
Classification: Likely benign. Last evaluated: 2021-06-15. Review status: criteria provided, single submitter. Criteria: GeneDx Variant Classification Process June 2021. Collection method: clinical testing. Allele origin: germline. Affected: yes.
Comment: This variant is associated with the following publications: (PMID: 28351343)

NM_000059.4(BRCA2):c.682-36T>C

Gene: BRCA2 (BRCA2 DNA repair associated; plus strand). Cytogenetic location: 13q13.1.
Variant type: single nucleotide variant.
Coding change: c.682-36T>C on transcript NM_000059.4 (MANE Select); 36 bases into the intron before coding-DNA position 682, T replaced by C.
Molecular consequence: intron variant.
Genome position (GRCh38, 1-based): chr13:32,330,883, T>C. VCF-style: chr13-32330883-T-C. GRCh37 (hg19) VCF-style: chr13-32905020-T-C.
Identifiers: ClinVar variation 1328574 (VCV001328574.9), dbSNP rs758114920, ClinGen allele CA6940427.